The following is an entry in ClinVar:

NM_182760.4(SUMF1):c.857C>G (p.Pro286Arg)

Gene: SUMF1 (sulfatase modifying factor 1; minus strand). Cytogenetic location: 3p26.1.
Variant type: single nucleotide variant.
Coding change: c.857C>G on transcript NM_182760.4 (MANE Select); coding-DNA position 857, C replaced by G.
Protein change: p.Pro286Arg; replaces proline 286 with arginine.
Molecular consequence: missense variant.
Genome position (GRCh38, 1-based): chr3:4,410,962, G>C on the plus strand (C>G on the coding strand, the complement: SUMF1 is on the minus strand). VCF-style: chr3-4410962-G-C. GRCh37 (hg19) VCF-style: chr3-4452646-G-C.
Other names: c.782C>G, p.Pro261Arg (NM_001164674.2); c.857C>G, p.Pro286Arg (NM_001164675.2); short protein forms P261R, P286R.
Identifiers: ClinVar variation 2068685 (VCV002068685.1), dbSNP rs1233453075, ClinGen allele CA351631503.
Genomic context (GRCh38, chr3:4,410,962, plus strand): 5'-CACCAGTCTGAAGTCCATTCCCATGCGTTCCCCACTATGTTGTATAAGCCATAACCATTG[G>C]GAGGGAAGGCATCAACCTAAAAACAAAGACAGGAAAAATGCTGTCAAACTATTCACCTGG-3'
Protein context (NP_877437.2, residues 276-296): QGTAPVDAFP[Pro286Arg]NGYGLYNIVG

ClinVar aggregate classification (germline): Uncertain significance (1 of 4 stars; one submission).

Conditions:
Multiple sulfatase deficiency (MSD). Also called: Mucosulfatidosis; Multiple Sulfatase Deficiency Disease; Sulfatidosis, Juvenile, Austin Type. Identifiers: Orphanet 585, MedGen C0268263, MONDO:0010088, OMIM 272200.

gnomAD v4.1: 3 of 1,613,896 alleles (0.00019%); highest among the groups gnomAD compares: Non-Finnish European, 0.00025%; no homozygotes.

Submission:

Labcorp Genetics (formerly Invitae), Labcorp
Classification: Uncertain significance for Multiple sulfatase deficiency. Last evaluated: 2022-04-04. Review status: criteria provided, single submitter. Criteria: Invitae Variant Classification Sherloc (09022015). Collection method: clinical testing. Allele origin: germline.
Comment: This sequence change replaces proline, which is neutral and non-polar, with arginine, which is basic and polar, at codon 286 of the SUMF1 protein (p.Pro286Arg). This variant is present in population databases (no rsID available, gnomAD 0.0009%). This variant has not been reported in the literature in individuals affected with SUMF1-related conditions. Algorithms developed to predict the effect of missense changes on protein structure and function are either unavailable or do not agree on the potential impact of this missense change (SIFT: "Deleterious"; PolyPhen-2: "Probably Damaging"; Align-GVGD: "Class C0"). In summary, the available evidence is currently insufficient to determine the role of this variant in disease. Therefore, it has been classified as a Variant of Uncertain Significance.